The following is an entry in ClinVar:

ClinVar aggregate classification (germline): Uncertain significance (1 of 4 stars; one submission).

Conditions:
Cardiovascular phenotype. Identifiers: MedGen CN230736.

Submission:

Ambry Genetics
Classification: Uncertain significance for Cardiovascular phenotype. Last evaluated: 2026-06-15. Review status: criteria provided, single submitter. Criteria: Ambry Variant Classification Scheme 2023. Collection method: clinical testing. Allele origin: germline.
Comment: The p.F311L variant (also known as c.931T>C), located in coding exon 1 of the FOXE3 gene, results from a T to C substitution at nucleotide position 931. The phenylalanine at codon 311 is replaced by leucine, an amino acid with highly similar properties. This amino acid position is conserved. In addition, the in silico prediction for this alteration is inconclusive. Based on the available evidence, the clinical significance of this variant remains unclear.

NM_012186.3(FOXE3):c.931T>C (p.Phe311Leu)

Genes: FOXE3 (forkhead box E3; plus strand), LINC01389 (long independently transcribed non-coding RNA 1389; minus strand). Cytogenetic location: 1p33.
Variant type: single nucleotide variant.
Coding change: c.931T>C on transcript NM_012186.3 (MANE Select); coding-DNA position 931, T replaced by C.
Protein change: p.Phe311Leu; replaces phenylalanine 311 with leucine.
Molecular consequence: missense variant.
Genome position (GRCh38, 1-based): chr1:47,417,246, T>C. VCF-style: chr1-47417246-T-C. GRCh37 (hg19) VCF-style: chr1-47882918-T-C.
Other names: short protein forms F311L.
Identifiers: ClinVar variation 5022006 (VCV005022006.1).